The following is an entry in ClinVar:

ClinVar aggregate classification (germline): Uncertain significance. Review status: criteria provided, single submitter (1 of 4 stars). 2 submissions from 2 submitters: Uncertain significance (1). 1 of the submissions does not count toward it. Last evaluated 2022-09-12.

Conditions:
Mucopolysaccharidosis, MPS-III-B (MPS3B). Also called: MPS III B; MUCOPOLYSACCHARIDOSIS, TYPE IIIB; N-ACETYL-ALPHA-D-GLUCOSAMINIDASE DEFICIENCY; NAGLU DEFICIENCY; SANFILIPPO SYNDROME B; Mucopolysaccharidosis type IIIB (Sanfilippo B). Identifiers: Orphanet 79270, MedGen C0086648, MONDO:0009656, OMIM 252920.
Charcot-Marie-Tooth disease axonal type 2V. Also called: CHARCOT-MARIE-TOOTH NEUROPATHY, TYPE 2V; CHARCOT-MARIE-TOOTH DISEASE, AXONAL, AUTOSOMAL DOMINANT, TYPE 2V. Identifiers: Orphanet 447964, MedGen C5569050, MONDO:0014665, OMIM 616491.

Allele frequency attached by ClinVar (database versions not stated): TOPMed 0.00002; ESP Exome Variant Server 0.00008; ExAC 0.00002; gnomAD 0.00003.

Submissions (2):

Labcorp Genetics (formerly Invitae), Labcorp
Classification: Uncertain significance for Charcot-Marie-Tooth disease axonal type 2V; Mucopolysaccharidosis, MPS-III-B. Last evaluated: 2022-09-12. Review status: criteria provided, single submitter. Criteria: Invitae Variant Classification Sherloc (09022015). Collection method: clinical testing. Allele origin: germline.
Comment: This sequence change replaces arginine, which is basic and polar, with glutamine, which is neutral and polar, at codon 152 of the NAGLU protein (p.Arg152Gln). This variant is present in population databases (rs141018386, gnomAD 0.009%). This variant has not been reported in the literature in individuals affected with NAGLU-related conditions. ClinVar contains an entry for this variant (Variation ID: 647311). Algorithms developed to predict the effect of missense changes on protein structure and function output the following: SIFT: "Tolerated"; PolyPhen-2: "Benign"; Align-GVGD: "Class C0". The glutamine amino acid residue is found in multiple mammalian species, which suggests that this missense change does not adversely affect protein function. In summary, the available evidence is currently insufficient to determine the role of this variant in disease. Therefore, it has been classified as a Variant of Uncertain Significance.

Natera, Inc.
Classification: Uncertain significance for Mucopolysaccharidosis type IIIB. Last evaluated: 2021-02-04. Review status: no assertion criteria provided. Collection method: clinical testing. Allele origin: germline. Not counted in ClinVar's aggregate classification.

NM_000263.4(NAGLU):c.455G>A (p.Arg152Gln)

Gene: NAGLU (N-acetyl-alpha-glucosaminidase; plus strand). Cytogenetic location: 17q21.2.
Variant type: single nucleotide variant.
Coding change: c.455G>A on transcript NM_000263.4 (MANE Select); coding-DNA position 455, G replaced by A.
Protein change: p.Arg152Gln; replaces arginine 152 with glutamine.
Molecular consequence: missense variant.
Genome position (GRCh38, 1-based): chr17:42,537,469, G>A. VCF-style: chr17-42537469-G-A. GRCh37 (hg19) VCF-style: chr17-40689487-G-A.
Other names: short protein forms R152Q.
Identifiers: ClinVar variation 647311 (VCV000647311.4), dbSNP rs141018386, ClinGen allele CA8576768.